The following is an entry in ClinVar:

NM_001010942.3(RAP1B):c.35G>A (p.Gly12Glu)

Gene: RAP1B (RAP1B, member of RAS oncogene family; plus strand). Cytogenetic location: 12q15.
Variant type: single nucleotide variant.
Coding change: c.35G>A on transcript NM_001010942.3 (MANE Select); coding-DNA position 35, G replaced by A.
Protein change: p.Gly12Glu; replaces glycine 12 with glutamic acid.
Molecular consequence: missense variant.
Genome position (GRCh38, 1-based): chr12:68,648,759, G>A. VCF-style: chr12-68648759-G-A. GRCh37 (hg19) VCF-style: chr12-69042539-G-A.
Other names: G12E; c.35G>A, p.Gly12Glu (NM_001251917.2, NM_001251918.2, NM_001251921.2 and 2 more transcripts).
Identifiers: ClinVar variation 2672309 (VCV002672309.5), dbSNP rs2499133668, ClinGen allele CA385686761.

ClinVar aggregate classification (germline): Pathogenic (0 of 4 stars; one submission).
ClinVar aggregate classification (somatic clinical impact): Tier II - Potential (1 of 4 stars; one submission).

Conditions:
Thrombocytopenia 11 with multiple congenital anomalies and dysmorphic facies (THC11). Identifiers: MedGen C5882734, MONDO:0958000, OMIM 620654.
Squamous cell carcinoma of the skin. Identifiers: MedGen C0553723, MONDO:0002529, HP:0006739.

Submissions (2):

Institute for Genomic Medicine (IGM) Clinical Laboratory, Nationwide Children's Hospital
Classification: Tier II - Potential for Squamous cell carcinoma of the skin. Assertion type: diagnostic. Clinical significance: supports diagnosis. Last evaluated: 2025-03-14. Review status: criteria provided, single submitter. Criteria: AMP/ASCO/CAP Guidelines, 2017. Collection method: clinical testing. Allele origin: somatic. Affected: yes.
Comment: Variant has Tier II (potential) clinical significance as a diagnostic inclusion criterion in skin squamous cell carcinoma, based on the following evidence: 1) Documented in one or more cancer databases (e.g., St. Jude Pecan, COSMIC, CIViC, OncoKB). 2) Information in the literature supports potential biologic effect of variant (PMID: 39225097). 3) Diagnostic significance based on multiple small studies (Evidence Level C; PMIDs: 34272401, 25303977).

OMIM
Classification: Pathogenic for THROMBOCYTOPENIA 11 WITH MULTIPLE CONGENITAL ANOMALIES AND DYSMORPHIC FACIES. Last evaluated: 2024-03-06. Review status: no assertion criteria provided. Collection method: literature only. Allele origin: germline.

Literature cited by the submitters: PubMed 39225097 (cited by Institute for Genomic Medicine (IGM) Clinical Laboratory, Nationwide Children's Hospital); PubMed 34272401 (cited by Institute for Genomic Medicine (IGM) Clinical Laboratory, Nationwide Children's Hospital); PubMed 25303977 (cited by Institute for Genomic Medicine (IGM) Clinical Laboratory, Nationwide Children's Hospital); PubMed 37850357 (cited by OMIM).